The following is an entry in ClinVar:

NM_015512.5(DNAH1):c.3512C>T (p.Thr1171Ile)

Gene: DNAH1 (dynein axonemal heavy chain 1; plus strand). Cytogenetic location: 3p21.1.
Variant type: single nucleotide variant.
Coding change: c.3512C>T on transcript NM_015512.5 (MANE Select); coding-DNA position 3512, C replaced by T.
Protein change: p.Thr1171Ile; replaces threonine 1171 with isoleucine.
Molecular consequence: missense variant.
Genome position (GRCh38, 1-based): chr3:52,354,874, C>T. VCF-style: chr3-52354874-C-T. GRCh37 (hg19) VCF-style: chr3-52388890-C-T.
Other names: short protein forms T1171I.
Identifiers: ClinVar variation 1042621 (VCV001042621.8), dbSNP rs1363854699, ClinGen allele CA353116003.
Genomic context (GRCh38, chr3:52,354,874, plus strand): 5'-GACTCAGCCTGGCTTGTCCCCGACCCCAGGCACTGGACAAGATGGAGAAGGAGTGGTCGA[C>T]CATCCTGTTCAATGTACTGCCCTACAAGGCGACAGACACCTACATCCTGAAGAGCCCGGA-3'
Protein context (NP_056327.4, residues 1161-1181): ALDKMEKEWS[Thr1171Ile]ILFNVLPYKA

ClinVar aggregate classification (germline): Uncertain significance. Review status: criteria provided, multiple submitters, no conflicts (2 of 4 stars). 3 submissions from 3 submitters: Uncertain significance (3). Last evaluated 2024-09-09.

Conditions:
Spermatogenic failure 18. Identifiers: MedGen C4539783, MONDO:0054615, OMIM 617576.
Ciliary dyskinesia, primary, 37 (CILD37). Also called: CILIARY DYSKINESIA, PRIMARY, 37, WITH OR WITHOUT SITUS INVERSUS. Identifiers: MedGen C4539798, MONDO:0033204, OMIM 617577.

Allele frequency attached by ClinVar (database versions not stated): gnomAD exomes below 0.00001; TOPMed below 0.00001; gnomAD 0.00001.
gnomAD v4.1: 4 of 1,613,770 alleles (0.00025%); highest among the groups gnomAD compares: East Asian, 0.0045%; no homozygotes.

Submissions (3):

Ambry Genetics
Classification: Uncertain significance. Last evaluated: 2024-09-09. Review status: criteria provided, single submitter. Criteria: Ambry Variant Classification Scheme 2023. Collection method: clinical testing. Allele origin: germline.

GeneDx
Classification: Uncertain significance. Last evaluated: 2021-01-22. Review status: criteria provided, single submitter. Criteria: GeneDx Variant Classification Process June 2021. Collection method: clinical testing. Allele origin: germline. Affected: yes.
Comment: Not observed in large population cohorts (Lek et al., 2016); In silico analysis supports that this missense variant has a deleterious effect on protein structure/function; Has not been previously published as pathogenic or benign to our knowledge

Labcorp Genetics (formerly Invitae), Labcorp
Classification: Uncertain significance for Ciliary dyskinesia, primary, 37; Spermatogenic failure 18. Last evaluated: 2020-10-28. Review status: criteria provided, single submitter. Criteria: Invitae Variant Classification Sherloc (09022015). Collection method: clinical testing. Allele origin: germline.
Comment: This sequence change replaces threonine with isoleucine at codon 1171 of the DNAH1 protein (p.Thr1171Ile). The threonine residue is moderately conserved and there is a moderate physicochemical difference between threonine and isoleucine. This variant is not present in population databases (ExAC no frequency). This variant has not been reported in the literature in individuals with DNAH1-related conditions. Algorithms developed to predict the effect of missense changes on protein structure and function are either unavailable or do not agree on the potential impact of this missense change (SIFT: "Deleterious"; PolyPhen-2: "Benign"; Align-GVGD: "Class C15"). In summary, the available evidence is currently insufficient to determine the role of this variant in disease. Therefore, it has been classified as a Variant of Uncertain Significance.